The following is an entry in ClinVar:

ClinVar aggregate classification (germline): Pathogenic (1 of 4 stars; one submission).

Conditions:
RYR1-related disorder. Also called: RYR1-related condition; RYR1-related disorders. Identifiers: MedGen CN239331.

Submission:

Labcorp Genetics (formerly Invitae), Labcorp
Classification: Pathogenic for RYR1-related disorder. Last evaluated: 2022-03-08. Review status: criteria provided, single submitter. Criteria: Invitae Variant Classification Sherloc (09022015). Collection method: clinical testing. Allele origin: germline.
Comment: For these reasons, this variant has been classified as Pathogenic. This variant has not been reported in the literature in individuals affected with RYR1-related conditions. This variant is a gross deletion of the genomic region encompassing exon(s) 91-96 of the RYR1 gene. This deletion is out-of-frame, and is expected to create a premature termination codon and result in an absent or disrupted protein product. Loss-of-function variants in RYR1 are known to be pathogenic (PMID: 20583297, 20839240, 23919265, 28818389).

Literature cited by the submitters: PubMed 20583297; PubMed 20839240; PubMed 23919265; PubMed 28818389.

NC_000019.9:g.(?_39055579)_(39063967_?)del

Gene: RYR1 (ryanodine receptor 1; plus strand). Cytogenetic location: 19q13.2.
Variant type: Deletion.
Identifiers: ClinVar variation 2423268 (VCV002423268.4).